The following is an entry in ClinVar:

ClinVar aggregate classification (germline): Pathogenic. Review status: criteria provided, multiple submitters, no conflicts (2 of 4 stars). 2 submissions from 2 submitters: Pathogenic (2). Last evaluated 2026-05-26.

Conditions:
Cardiovascular phenotype. Identifiers: MedGen CN230736.
Arrhythmogenic cardiomyopathy with wooly hair and keratoderma. Also called: Arrhythmogenic cardiomyopathy with woolly hair and keratoderma; PALMOPLANTAR KERATODERMA WITH LEFT VENTRICULAR CARDIOMYOPATHY AND WOOLLY HAIR; Carvajal syndrome; Dilated cardiomyopathy with woolly hair and keratoderma. Identifiers: Orphanet 65282, MedGen C1854063, MONDO:0011581, OMIM 605676.
Arrhythmogenic right ventricular dysplasia 8 (ARVD8). Also called: Arrhythmogenic Right Ventricular Dysplasia/Cardiomyopathy 8; ARRHYTHMOGENIC RIGHT VENTRICULAR DYSPLASIA, FAMILIAL, 8; ARRHYTHMOGENIC RIGHT VENTRICULAR CARDIOMYOPATHY 8. Identifiers: MedGen C1843896, MONDO:0011831, OMIM 607450.

Submissions (2):

Ambry Genetics
Classification: Pathogenic for Cardiovascular phenotype. Last evaluated: 2026-05-26. Review status: criteria provided, single submitter. Criteria: Ambry Variant Classification Scheme 2023. Collection method: clinical testing. Allele origin: germline.
Comment: The c.4879_4883delAAGAG pathogenic mutation, located in coding exon 23 of the DSP gene, results from a deletion of 5 nucleotides at nucleotide positions 4879 to 4883, causing a translational frameshift with a predicted alternate stop codon (p.K1627Efs*2). This variant is considered to be rare based on population cohorts in the Genome Aggregation Database (gnomAD). This alteration is expected to result in loss of function by premature protein truncation or nonsense-mediated mRNA decay. As such, this alteration is interpreted as a disease-causing mutation.

Labcorp Genetics (formerly Invitae), Labcorp
Classification: Pathogenic for Arrhythmogenic cardiomyopathy with wooly hair and keratoderma; Arrhythmogenic right ventricular dysplasia 8. Last evaluated: 2023-08-17. Review status: criteria provided, single submitter. Criteria: Invitae Variant Classification Sherloc (09022015). Collection method: clinical testing. Allele origin: germline.
Comment: For these reasons, this variant has been classified as Pathogenic. This variant has not been reported in the literature in individuals affected with DSP-related conditions. This variant is not present in population databases (gnomAD no frequency). This sequence change creates a premature translational stop signal (p.Lys1627Glufs*2) in the DSP gene. It is expected to result in an absent or disrupted protein product. Loss-of-function variants in DSP are known to be pathogenic (PMID: 20716751, 24503780, 25227139).

Literature cited by the submitters: PubMed 20716751 (cited by Labcorp Genetics (formerly Invitae), Labcorp); PubMed 24503780 (cited by Labcorp Genetics (formerly Invitae), Labcorp); PubMed 25227139 (cited by Labcorp Genetics (formerly Invitae), Labcorp).

NM_004415.4(DSP):c.4879_4883del (p.Lys1627fs)

Gene: DSP (desmoplakin; plus strand). Cytogenetic location: 6p24.3.
Variant type: Deletion.
Coding change: c.4879_4883del on transcript NM_004415.4 (MANE Select); coding-DNA positions 4879 to 4883, 5 bases deleted (AAGAG; older notation c.4879_4883delAAGAG).
Protein change: p.Lys1627fs; shifts the reading frame from lysine 1627.
Molecular consequence: frameshift variant. On other transcripts: intron variant (2).
Genome position (GRCh38, 1-based): chr6:7,581,069-7,581,073, AAGAG deleted; deleting any 5 consecutive bases within chr6:7,581,067-7,581,073 gives the same sequence; the c. name uses the placement nearest the transcript's 3' end. VCF-style (leftmost placement, unchanged base first): chr6-7581066-AAGAAG-A. GRCh37 (hg19) VCF-style: chr6-7581299-AAGAAG-A.
Other names: c.4050+829_4050+833del (NM_001319034.2); c.3582+1297_3582+1301del (NM_001008844.3); short protein forms K1627fs.
Identifiers: ClinVar variation 2944200 (VCV002944200.4), dbSNP rs2533930691, ClinGen allele CA2677234384.